The following is an entry in ClinVar:

ClinVar aggregate classification (germline): Uncertain significance (1 of 4 stars; one submission).

Conditions:
Mitochondrial complex IV deficiency, nuclear type 23 (MC4DN23). Identifiers: MedGen C5830322, MONDO:0859520, OMIM 620275.

Submission:

Victorian Clinical Genetics Services, Murdoch Childrens Research Institute
Classification: Uncertain significance for Mitochondrial complex IV deficiency, nuclear type 23. Last evaluated: 2025-09-01. Review status: criteria provided, single submitter. Criteria: ACMG Guidelines, 2015. Collection method: clinical testing. Allele origin: germline. Affected: yes.
Comment: This variant is classified as VUS-3B. Evidence in support of pathogenic classification: In-frame insertion/deletion in a non-repetitive region that has low conservation; Variant is present in gnomAD <0.01 for a recessive condition (v4: 10 heterozygote(s), 0 homozygote(s)) . Additional information: This variant is homozygous; This gene is associated with autosomal recessive disease; This variant has no previous evidence of pathogenicity; No published evidence of segregation with disease has been identified for this variant; No published functional evidence has been identified for this variant; No comparable in-frame variants have previous evidence for pathogenicity; Variant is not located in an established domain, motif, hotspot or informative constraint region; Loss of function is a known mechanism of disease in this gene and is associated with mitochondrial complex IV deficiency, nuclear type 23, (MIM#620275), AR; Inheritance information for this variant is not currently available in this individual.

NM_004375.5(COX11):c.263GGC[4] (p.Arg90_Gln91insArg)

Gene: COX11 (cytochrome c oxidase copper chaperone COX11; minus strand). Cytogenetic location: 17q22.
Variant type: Microsatellite.
Coding change: c.263GGC[4] on transcript NM_004375.5 (MANE Select); four copies in a row of the 3-base unit GGC starting at c.263; the reference has three copies in a row; one copy, 3 bases duplicated; also written c.269_271dup.
Protein change: p.Arg90_Gln91insArg.
Molecular consequence: inframe insertion. On other transcripts: non-coding transcript variant (3).
Genome position (GRCh38, 1-based): chr17:54,968,376-54,968,378, GCC duplicated on the plus strand (GGC on the coding strand, the reverse complement: COX11 is on the minus strand); duplicating any 3 consecutive bases within chr17:54,968,376-54,968,386 gives the same sequence; the position shown is the placement nearest the transcript's 3' end. VCF-style (leftmost placement, unchanged base first): chr17-54968375-T-TGCC. GRCh37 (hg19) VCF-style: chr17-53045736-T-TGCC.
Other names: c.263GGC[4], p.Arg90_Gln91insArg (NM_001162861.2, NM_001162862.2, NM_001321518.1); c.269_271dup (NM_004375.5).
Identifiers: ClinVar variation 4531668 (VCV004531668.1).